The following is an entry in ClinVar:

ClinVar aggregate classification (germline): Uncertain significance (1 of 4 stars; one submission).

Allele frequency attached by ClinVar (database versions not stated): ExAC 0.00002; gnomAD exomes 0.00002 and 0.00005; TOPMed 0.00002; gnomAD 0.00003.
gnomAD v4.1: 85 of 1,614,066 alleles (0.0053%); highest among the groups gnomAD compares: Non-Finnish European, 0.0068%; no homozygotes.

Submission:

Labcorp Genetics (formerly Invitae), Labcorp
Classification: Uncertain significance. Last evaluated: 2025-05-15. Review status: criteria provided, single submitter. Criteria: Invitae Variant Classification Sherloc (09022015). Collection method: clinical testing. Allele origin: germline.
Comment: This sequence change replaces valine, which is neutral and non-polar, with isoleucine, which is neutral and non-polar, at codon 120 of the SIAE protein (p.Val120Ile). This variant is present in population databases (rs767234103, gnomAD 0.004%). This variant has not been reported in the literature in individuals affected with SIAE-related conditions. ClinVar contains an entry for this variant (Variation ID: 1434870). An algorithm developed to predict the effect of missense changes on protein structure and function (PolyPhen-2) suggests that this variant is likely to be disruptive. In summary, the available evidence is currently insufficient to determine the role of this variant in disease. Therefore, it has been classified as a Variant of Uncertain Significance.

NM_170601.5(SIAE):c.358G>A (p.Val120Ile)

Gene: SIAE (sialic acid acetylesterase; minus strand). Cytogenetic location: 11q24.2.
Variant type: single nucleotide variant.
Coding change: c.358G>A on transcript NM_170601.5 (MANE Select); coding-DNA position 358, G replaced by A.
Protein change: p.Val120Ile; replaces valine 120 with isoleucine.
Molecular consequence: missense variant.
Genome position (GRCh38, 1-based): chr11:124,660,675, C>T on the plus strand (G>A on the coding strand, the complement: SIAE is on the minus strand). VCF-style: chr11-124660675-C-T. GRCh37 (hg19) VCF-style: chr11-124530571-C-T.
Other names: c.253G>A, p.Val85Ile (NM_001199922.2); short protein forms V120I, V85I.
Identifiers: ClinVar variation 1434870 (VCV001434870.8), dbSNP rs767234103, ClinGen allele CA6341582.